The following is an entry in ClinVar:

ClinVar aggregate classification (germline): Uncertain significance (1 of 4 stars; one submission).

Conditions:
Hereditary cancer-predisposing syndrome. Also called: Hereditary Cancer Syndrome; Hereditary neoplastic syndrome; Neoplastic Syndromes, Hereditary; Tumor predisposition. Identifiers: Orphanet 140162, MedGen C0027672, MeSH D009386, MONDO:0015356.

Submission:

Ambry Genetics
Classification: Uncertain significance for Hereditary cancer-predisposing syndrome. Last evaluated: 2022-05-31. Review status: criteria provided, single submitter. Criteria: Ambry Variant Classification Scheme 2023. Collection method: clinical testing. Allele origin: germline.
Comment: The p.E1461G variant (also known as c.4382A>G), located in coding exon 34 of the POLE gene, results from an A to G substitution at nucleotide position 4382. The glutamic acid at codon 1461 is replaced by glycine, an amino acid with similar properties. This amino acid position is conserved. In addition, this alteration is predicted to be tolerated by in silico analysis. Since supporting evidence is limited at this time, the clinical significance of this alteration remains unclear.

NM_006231.4(POLE):c.4382A>G (p.Glu1461Gly)

Gene: POLE (DNA polymerase epsilon, catalytic subunit; minus strand). Cytogenetic location: 12q24.33.
Variant type: single nucleotide variant.
Coding change: c.4382A>G on transcript NM_006231.4 (MANE Select); coding-DNA position 4382, A replaced by G.
Protein change: p.Glu1461Gly; replaces glutamic acid 1461 with glycine.
Molecular consequence: missense variant.
Genome position (GRCh38, 1-based): chr12:132,643,469, T>C on the plus strand (A>G on the coding strand, the complement: POLE is on the minus strand). VCF-style: chr12-132643469-T-C. GRCh37 (hg19) VCF-style: chr12-133220055-T-C.
Other names: short protein forms E1461G.
Identifiers: ClinVar variation 1740170 (VCV001740170.2), dbSNP rs2138551269, ClinGen allele CA387381191.